The following is an entry in ClinVar:

NM_024642.5(GALNT12):c.1030T>C (p.Phe344Leu)

Gene: GALNT12 (polypeptide N-acetylgalactosaminyltransferase 12; plus strand). Cytogenetic location: 9q22.33.
Variant type: single nucleotide variant.
Coding change: c.1030T>C on transcript NM_024642.5 (MANE Select); coding-DNA position 1030, T replaced by C.
Protein change: p.Phe344Leu; replaces phenylalanine 344 with leucine.
Molecular consequence: missense variant.
Genome position (GRCh38, 1-based): chr9:98,835,361, T>C. VCF-style: chr9-98835361-T-C. GRCh37 (hg19) VCF-style: chr9-101597643-T-C.
Other names: short protein forms F344L.
Identifiers: ClinVar variation 3227891 (VCV003227891.1), dbSNP rs2490527867, ClinGen allele CA374219562.

ClinVar aggregate classification (germline): Uncertain significance (1 of 4 stars; one submission).

Submission:

Ambry Genetics
Classification: Uncertain significance. Last evaluated: 2023-12-02. Review status: criteria provided, single submitter. Criteria: Ambry Variant Classification Scheme 2023. Collection method: clinical testing. Allele origin: germline.
Comment: The p.F344L variant (also known as c.1030T>C), located in coding exon 5 of the GALNT12 gene, results from a T to C substitution at nucleotide position 1030. The phenylalanine at codon 344 is replaced by leucine, an amino acid with highly similar properties. This amino acid position is conserved. In addition, the in silico prediction for this alteration is inconclusive. Since supporting evidence is limited at this time, the clinical significance of this alteration remains unclear.